The following is an entry in ClinVar:

NM_001197104.2(KMT2A):c.4756A>G (p.Met1586Val)

Gene: KMT2A (lysine methyltransferase 2A; plus strand). Cytogenetic location: 11q23.3.
Variant type: single nucleotide variant.
Coding change: c.4756A>G on transcript NM_001197104.2 (MANE Select); coding-DNA position 4756, A replaced by G.
Protein change: p.Met1586Val; replaces methionine 1586 with valine.
Molecular consequence: missense variant.
Genome position (GRCh38, 1-based): chr11:118,491,255, A>G. VCF-style: chr11-118491255-A-G. GRCh37 (hg19) VCF-style: chr11-118361970-A-G.
Other names: c.4855A>G, p.Met1619Val (NM_001412597.1); c.4756A>G, p.Met1586Val (NM_005933.4); short protein forms M1586V, M1619V.
Identifiers: ClinVar variation 2716654 (VCV002716654.3), dbSNP rs2496918569, ClinGen allele CA382834387.

ClinVar aggregate classification (germline): Uncertain significance (1 of 4 stars; one submission).

Submission:

Labcorp Genetics (formerly Invitae), Labcorp
Classification: Uncertain significance. Last evaluated: 2025-02-26. Review status: criteria provided, single submitter. Criteria: Invitae Variant Classification Sherloc (09022015). Collection method: clinical testing. Allele origin: germline.
Comment: This sequence change replaces methionine, which is neutral and non-polar, with valine, which is neutral and non-polar, at codon 1586 of the KMT2A protein (p.Met1586Val). This variant is not present in population databases (gnomAD no frequency). This variant has not been reported in the literature in individuals affected with KMT2A-related conditions. ClinVar contains an entry for this variant (Variation ID: 2716654). Invitae Evidence Modeling of protein sequence and biophysical properties (such as structural, functional, and spatial information, amino acid conservation, physicochemical variation, residue mobility, and thermodynamic stability) indicates that this missense variant is not expected to disrupt KMT2A protein function with a negative predictive value of 95%. In summary, the available evidence is currently insufficient to determine the role of this variant in disease. Therefore, it has been classified as a Variant of Uncertain Significance.